The following is an entry in ClinVar:

NM_015335.5(MED13L):c.3373G>A (p.Asp1125Asn)

Gene: MED13L (mediator complex subunit 13L; minus strand). Cytogenetic location: 12q24.21.
Variant type: single nucleotide variant.
Coding change: c.3373G>A on transcript NM_015335.5 (MANE Select); coding-DNA position 3373, G replaced by A.
Protein change: p.Asp1125Asn; replaces aspartic acid 1125 with asparagine.
Molecular consequence: missense variant.
Genome position (GRCh38, 1-based): chr12:115,991,581, C>T on the plus strand (G>A on the coding strand, the complement: MED13L is on the minus strand). VCF-style: chr12-115991581-C-T. GRCh37 (hg19) VCF-style: chr12-116429386-C-T.
Other names: short protein forms D1125N.
Identifiers: ClinVar variation 4279889 (VCV004279889.1).

ClinVar aggregate classification (germline): Uncertain significance (1 of 4 stars; one submission).

Conditions:
Cardiac anomalies - developmental delay - facial dysmorphism syndrome (MRFACD). Also called: Impaired intellectual development and distinctive facial features with or without cardiac defects; MED13L Syndrome. Identifiers: Orphanet 369891, MedGen C5192431, MONDO:0014773, OMIM 616789.

Submission:

Clinical Genomics Laboratory, Washington University in St. Louis
Classification: Uncertain significance for Cardiac anomalies - developmental delay - facial dysmorphism syndrome. Last evaluated: 2025-09-03. Review status: criteria provided, single submitter. Criteria: ACMG Guidelines, 2015. Collection method: clinical testing. Allele origin: germline.
Comment: The MED13L c.3373G>A (p.Asp1125Asn) variant has not been reported in the medical literature to our knowledge. This variant is absent from the general population (gnomAD v.4.1.0), indicating it is not a common variant. Computational predictors indicate that the variant is damaging, evidence that correlates with impact to MED13L protein function. Due to limited information, and based on ACMG/AMP guidelines for variant interpretation (Richards S et al., PMID: 25741868), the clinical significance of this variant is uncertain at this time.